The following is an entry in ClinVar:

ClinVar aggregate classification (germline): Likely benign. Review status: criteria provided, multiple submitters, no conflicts (2 of 4 stars). 2 submissions from 2 submitters: Likely benign (2). Last evaluated 2025-02-06.

Conditions:
POLD1-related polyposis and colorectal cancer syndrome (CRCS10). Also called: Colorectal cancer 10; COLORECTAL CANCER, SUSCEPTIBILITY TO, ON CHROMOSOME 19q; Colorectal cancer, susceptibility to, 10. Identifiers: Orphanet 220460, MedGen C2675481, MONDO:0012953, OMIM 612591.

Submissions (2):

Myriad Genetics, Inc.
Classification: Likely benign for POLD1-related polyposis and colorectal cancer syndrome. Last evaluated: 2025-02-06. Review status: criteria provided, single submitter. Criteria: Myriad Autosomal Dominant, Autosomal Recessive and X-Linked Classification Criteria (2023). Collection method: clinical testing. Allele origin: unknown.
Comment: This variant is considered likely benign. This variant is intronic and is not expected to impact mRNA splicing.

Labcorp Genetics (formerly Invitae), Labcorp
Classification: Likely benign for POLD1-related polyposis and colorectal cancer syndrome. Last evaluated: 2024-09-16. Review status: criteria provided, single submitter. Criteria: Invitae Variant Classification Sherloc (09022015). Collection method: clinical testing. Allele origin: germline.

NM_002691.4(POLD1):c.1384-8C>T

Gene: POLD1 (DNA polymerase delta 1, catalytic subunit; plus strand). Cytogenetic location: 19q13.33.
Variant type: single nucleotide variant.
Coding change: c.1384-8C>T on transcript NM_002691.4 (MANE Select); 8 bases into the intron before coding-DNA position 1384, C replaced by T.
Molecular consequence: intron variant.
Genome position (GRCh38, 1-based): chr19:50,406,399, C>T. VCF-style: chr19-50406399-C-T. GRCh37 (hg19) VCF-style: chr19-50909656-C-T.
Other names: c.1384-8C>T (NM_001256849.1, NM_001308632.1).
Identifiers: ClinVar variation 3717462 (VCV003717462.3).